The following is an entry in ClinVar:

ClinVar aggregate classification (germline): Likely pathogenic. Review status: reviewed by expert panel (3 of 4 stars). 3 submissions from 3 submitters: Likely pathogenic (1). 2 of the submissions do not count toward it. Last evaluated 2025-09-29.

Conditions:
AIPL1-related retinopathy. Also called: AIPL1 retinopathy. Identifiers: MedGen CN305590, MONDO:0100438.
Leber congenital amaurosis (LCA). Also called: Leber's amaurosis. Identifiers: Orphanet 65, MedGen C0339527, MeSH D057130, MONDO:0018998.
Leber congenital amaurosis 4 (LCA4). Identifiers: MedGen C1858386, MONDO:0011458, OMIM 604393.

Submissions (3):

ClinGen Leber Congenital Amaurosis/early Onset Retinal Dystrophy Variant Curation Expert Panel, ClinGen
Classification: Likely pathogenic for AIPL1-related retinopathy. Last evaluated: 2025-09-29. Review status: reviewed by expert panel. Criteria: ClinGen LCAeoRD ACMG Specifications AIPL1 V1.0.0. Collection method: curation. Allele origin: germline. Inheritance: Autosomal recessive inheritance.
Comment: NM_014336.5(AIPL1):c.34dup (p.Val12GlyfsTer?) is a 1 bp duplication that changes amino acid p.12 from valine to glycine and alters the reading frame, with a new stop codon encountered after 32 amino acids. This premature stop codon in exon 1 of 6 is predicted to lead to nonsense-mediated decay in a gene in which loss-of-function is an established mechanism of disease (PVS1). This variant is present in gnomAD v.4.1.0 at a total allele frequency of 0.000001859, with 3 /1614036 total alleles, which is lower than the ClinGen LCA/eoRD VCEP PM2_Supporting threshold of <0.0004 (PM2_Supporting). This variant has been reported in at least 1 proband with early-onset severe retinal dystrophy who harbored the variant in the compound heterozygous state (PMID: 32531858). However, the proband was not counted for PM3_Supporting because the other variant p.Arg80Trp is currently classified as a VUS and was not confirmed to be in trans. In summary, this variant meets the criteria to be classified as Likely Pathogenic for AIPL1-related retinopathy based on the ACMG/AMP criteria applied, as specified by the ClinGen LCA/eoRD VCEP: PVS1 and PM2_supporting. (VCEP specifications version 1.0.0; date of approval 09/24/2025).

Labcorp Genetics (formerly Invitae), Labcorp
Classification: Pathogenic for Leber congenital amaurosis 4. Last evaluated: 2024-06-05. Review status: criteria provided, single submitter. Criteria: Invitae Variant Classification Sherloc (09022015). Collection method: clinical testing. Allele origin: germline. Not counted in ClinVar's aggregate classification.
Comment: This sequence change creates a premature translational stop signal (p.Val12Glyfs*32) in the AIPL1 gene. It is expected to result in an absent or disrupted protein product. Loss-of-function variants in AIPL1 are known to be pathogenic (PMID: 10615133, 15249368, 15347646). This variant is present in population databases (rs752193525, gnomAD 0.002%). This variant has not been reported in the literature in individuals affected with AIPL1-related conditions. ClinVar contains an entry for this variant (Variation ID: 813151). For these reasons, this variant has been classified as Pathogenic.

Molecular Genetics Laboratory, Institute for Ophthalmic Research
Classification: Pathogenic for Leber congenital amaurosis. Last evaluated: 2020-01-09. Review status: criteria provided, single submitter. Criteria: ACMG Guidelines, 2015. Collection method: research. Allele origin: germline. Affected: yes. Not counted in ClinVar's aggregate classification.

Literature cited by the submitters: PubMed 10615133 (cited by Labcorp Genetics (formerly Invitae), Labcorp); PubMed 15249368 (cited by Labcorp Genetics (formerly Invitae), Labcorp); PubMed 15347646 (cited by Labcorp Genetics (formerly Invitae), Labcorp).

NM_014336.5(AIPL1):c.34dup (p.Val12fs)

Gene: AIPL1 (AIP like 1 HSP90 co-chaperone; minus strand). Cytogenetic location: 17p13.2.
Variant type: Duplication.
Coding change: c.34dup on transcript NM_014336.5 (MANE Select); coding-DNA position 34, one base duplicated (G; older notation c.34dupG).
Protein change: p.Val12fs; shifts the reading frame from valine 12.
Molecular consequence: frameshift variant. On other transcripts: 5 prime UTR variant (1).
Genome position (GRCh38, 1-based): chr17:6,435,071, C duplicated on the plus strand (G on the coding strand, the reverse complement: AIPL1 is on the minus strand); the first of 4 consecutive C bases (chr17:6,435,071-6,435,074); duplicating any one gives the same sequence. VCF-style (leftmost placement, unchanged base first): chr17-6435070-A-AC. GRCh37 (hg19) VCF-style: chr17-6338390-A-AC.
Other names: NM_014336.5(AIPL1):c.34dup; p.Val12fs; c.34dup, p.Val12fs (NM_001033054.3, NM_001033055.3, NM_001285399.3 and 3 more transcripts); c.-142dup (NM_001285402.2); short protein forms V12fs.
Identifiers: ClinVar variation 813151 (VCV000813151.3), dbSNP rs752193525, ClinGen allele CA8328680.